The following is an entry in ClinVar:

ClinVar aggregate classification (germline): Uncertain significance (1 of 4 stars; one submission).

Conditions:
Pontocerebellar hypoplasia type 1A (PCH1A). Also called: PONTOCEREBELLAR HYPOPLASIA WITH ANTERIOR HORN CELL DISEASE; PONTOCEREBELLAR HYPOPLASIA WITH INFANTILE SPINAL MUSCULAR ATROPHY. Identifiers: Orphanet 2254, Orphanet 88616, MedGen C1843504, MONDO:0011866, OMIM 607596.

Submission:

Broad Center for Mendelian Genomics, Broad Institute of MIT and Harvard
Classification: Uncertain significance for Pontocerebellar hypoplasia type 1A. Last evaluated: 2018-11-15. Review status: criteria provided, single submitter. Criteria: ACMG Guidelines, 2015. Collection method: research. Allele origin: germline. Inheritance: Autosomal recessive inheritance. Affected: yes.
Comment: This variant was absent from large population studies. Computational prediction tools and conservation analyses do not provide strong support for or against an impact to the protein. However, a likely pathogenic variant curated by our study at the the same position, (p.Arg133Cys), has been reported in individuals with Pontocerebellar Hypoplasia and segregated with disease in 4 affected relatives from 1 cosanguineous family (PMID: 21937992). In summary, the clinical significance of this variant is uncertain.

NM_003384.3(VRK1):c.397C>G (p.Arg133Gly)

Gene: VRK1 (VRK serine/threonine kinase 1; plus strand). Cytogenetic location: 14q32.2.
Variant type: single nucleotide variant.
Coding change: c.397C>G on transcript NM_003384.3 (MANE Select); coding-DNA position 397, C replaced by G.
Protein change: p.Arg133Gly; replaces arginine 133 with glycine.
Molecular consequence: missense variant.
Genome position (GRCh38, 1-based): chr14:96,852,853, C>G. VCF-style: chr14-96852853-C-G. GRCh37 (hg19) VCF-style: chr14-97319190-C-G.
Other names: short protein forms R133G.
Identifiers: ClinVar variation 800521 (VCV000800521.2), dbSNP rs387906830, ClinGen allele CA390930259.